The following is an entry in ClinVar:

NM_000717.5(CA4):c.461A>C (p.Lys154Thr)

Gene: CA4 (carbonic anhydrase 4; plus strand). Cytogenetic location: 17q23.1.
Variant type: single nucleotide variant.
Coding change: c.461A>C on transcript NM_000717.5 (MANE Select); coding-DNA position 461, A replaced by C.
Protein change: p.Lys154Thr; replaces lysine 154 with threonine.
Molecular consequence: missense variant. On other transcripts: non-coding transcript variant (1).
Genome position (GRCh38, 1-based): chr17:60,157,736, A>C. VCF-style: chr17-60157736-A-C. GRCh37 (hg19) VCF-style: chr17-58235097-A-C.
Other names: short protein forms K154T.
Identifiers: ClinVar variation 2999353 (VCV002999353.3), dbSNP rs1281296317, ClinGen allele CA400456433.

ClinVar aggregate classification (germline): Uncertain significance (1 of 4 stars; one submission).

Allele frequency attached by ClinVar (database versions not stated): gnomAD exomes below 0.00001; gnomAD 0.00001.
gnomAD v4.1: 2 of 1,614,048 alleles (0.00012%); highest among the groups gnomAD compares: Non-Finnish European, 0.00017%; no homozygotes.

Submission:

Labcorp Genetics (formerly Invitae), Labcorp
Classification: Uncertain significance. Last evaluated: 2024-01-03. Review status: criteria provided, single submitter. Criteria: Invitae Variant Classification Sherloc (09022015). Collection method: clinical testing. Allele origin: germline.
Comment: This sequence change replaces lysine, which is basic and polar, with threonine, which is neutral and polar, at codon 154 of the CA4 protein (p.Lys154Thr). This variant is present in population databases (no rsID available, gnomAD 0.0009%). This variant has not been reported in the literature in individuals affected with CA4-related conditions. Algorithms developed to predict the effect of missense changes on protein structure and function output the following: SIFT: "Not Available"; PolyPhen-2: "Benign"; Align-GVGD: "Not Available". The threonine amino acid residue is found in multiple mammalian species, which suggests that this missense change does not adversely affect protein function. In summary, the available evidence is currently insufficient to determine the role of this variant in disease. Therefore, it has been classified as a Variant of Uncertain Significance.